The following is an entry in ClinVar:

ClinVar aggregate classification (germline): Uncertain significance. Review status: criteria provided, multiple submitters, no conflicts (2 of 4 stars). 3 submissions from 3 submitters: Uncertain significance (3). Last evaluated 2025-01-01.

Conditions:
Ehlers-Danlos syndrome, type 4 (EDSVASC). Also called: Ehlers-Danlos syndrome vascular type; Ehlers Danlos syndrome, ecchymotic type; Ehlers Danlos syndrome, arterial type; Ehlers Danlos syndrome, Sack-Barabas type; Ehlers-Danlos Syndrome Type IV. Identifiers: Orphanet 286, MedGen C0268338, MONDO:0017314, OMIM 130050.

Allele frequency attached by ClinVar (database versions not stated): TOPMed below 0.00001.

Submissions (3):

CeGaT Center for Human Genetics Tuebingen
Classification: Uncertain significance. Last evaluated: 2025-01-01. Review status: criteria provided, single submitter. Criteria: CeGaT Center For Human Genetics Tuebingen Variant Classification Criteria Version 2. Collection method: clinical testing. Allele origin: germline. Affected: yes. Observed: 1 variant allele.
Comment: COL3A1: PM2

All of Us Research Program, National Institutes of Health
Classification: Uncertain significance for Ehlers-Danlos syndrome, type 4. Last evaluated: 2023-05-16. Review status: criteria provided, single submitter. Criteria: ACMG Guidelines, 2015. Collection method: clinical testing. Allele origin: germline. Inheritance: Autosomal dominant inheritance. Observed: 1 variant allele, 1 heterozygote.
Comment: This missense variant replaces proline with leucine at codon 1251 of the COL3A1 protein. Computational prediction suggests that this variant may have deleterious impact on protein structure and function (internally defined REVEL score threshold >= 0.7, PMID: 27666373). To our knowledge, functional studies have not been reported for this variant. This variant has not been reported in individuals affected with COL3A1-related disorders in the literature. This variant has not been identified in the general population by the Genome Aggregation Database (gnomAD). The available evidence is insufficient to determine the role of this variant in disease conclusively. Therefore, this variant is classified as a Variant of Uncertain Significance.

This study involves interpretation of variants in research participants for the purpose of population health screening. Participant phenotype was not available at the time of variant classification. Additional details can be found in publication PMID: 35346344, PMCID: PMC8962531

Labcorp Genetics (formerly Invitae), Labcorp
Classification: Uncertain significance for Ehlers-Danlos syndrome, type 4. Last evaluated: 2022-08-20. Review status: criteria provided, single submitter. Criteria: Invitae Variant Classification Sherloc (09022015). Collection method: clinical testing. Allele origin: germline.
Comment: This variant has not been reported in the literature in individuals affected with COL3A1-related conditions. In summary, the available evidence is currently insufficient to determine the role of this variant in disease. Therefore, it has been classified as a Variant of Uncertain Significance. Algorithms developed to predict the effect of missense changes on protein structure and function are either unavailable or do not agree on the potential impact of this missense change (SIFT: "Deleterious"; PolyPhen-2: "Not Available"; Align-GVGD: "Class C0"). This variant is not present in population databases (gnomAD no frequency). This sequence change replaces proline, which is neutral and non-polar, with leucine, which is neutral and non-polar, at codon 1251 of the COL3A1 protein (p.Pro1251Leu).

NM_000090.4(COL3A1):c.3752C>T (p.Pro1251Leu)

Gene: COL3A1 (collagen type III alpha 1 chain; plus strand). Cytogenetic location: 2q32.2.
Variant type: single nucleotide variant.
Coding change: c.3752C>T on transcript NM_000090.4 (MANE Select); coding-DNA position 3752, C replaced by T.
Protein change: p.Pro1251Leu; replaces proline 1251 with leucine.
Molecular consequence: missense variant.
Genome position (GRCh38, 1-based): chr2:189,009,150, C>T. VCF-style: chr2-189009150-C-T. GRCh37 (hg19) VCF-style: chr2-189873876-C-T.
Other names: short protein forms P1251L.
Identifiers: ClinVar variation 2042551 (VCV002042551.16), dbSNP rs1688664186, ClinGen allele CA349847519.